The following is an entry in ClinVar:

NM_004946.3(DOCK2):c.5484G>A (p.Thr1828=)

Gene: DOCK2 (dedicator of cytokinesis 2; plus strand). Cytogenetic location: 5q35.1.
Variant type: single nucleotide variant.
Coding change: c.5484G>A on transcript NM_004946.3 (MANE Select); coding-DNA position 5484, G replaced by A.
Protein change: p.Thr1828=; no amino-acid change (threonine 1828 retained).
Molecular consequence: synonymous variant. On other transcripts: non-coding transcript variant (1).
Genome position (GRCh38, 1-based): chr5:170,082,849, G>A. VCF-style: chr5-170082849-G-A. GRCh37 (hg19) VCF-style: chr5-169509853-G-A.
Identifiers: ClinVar variation 791754 (VCV000791754.47), dbSNP rs140198889, ClinGen allele CA3554910.

ClinVar aggregate classification (germline): Benign/Likely benign. Review status: criteria provided, multiple submitters, no conflicts (2 of 4 stars). 5 submissions from 5 submitters: Benign (1); Likely benign (3). 1 of the submissions does not count toward it. Last evaluated 2026-01-23.

Conditions:
DOCK2-related disorder. Also called: DOCK2-related condition.
DOCK2 deficiency. Also called: Immunodeficiency 40. Identifiers: Orphanet 447737, MedGen C4225328, MONDO:0014637, OMIM 616433.

Allele frequency attached by ClinVar (database versions not stated): ExAC 0.00028; gnomAD 0.00091 and 0.00095; TOPMed 0.00092; 1000 Genomes Project 0.00120; 1000 Genomes Project 30x 0.00125; ESP Exome Variant Server 0.00154.
gnomAD v4.1: 261 of 1,614,162 alleles (0.016%); highest among the groups gnomAD compares: African/African-American, 0.29%; no homozygotes.

Submissions (5):

Women's Health and Genetics/Laboratory Corporation of America, LabCorp
Classification: Likely benign. Last evaluated: 2026-01-23. Review status: criteria provided, single submitter. Criteria: LabCorp Variant Classification Summary - May 2015. Collection method: clinical testing. Allele origin: germline.

Labcorp Genetics (formerly Invitae), Labcorp
Classification: Benign for DOCK2 deficiency. Last evaluated: 2026-01-08. Review status: criteria provided, single submitter. Criteria: Invitae Variant Classification Sherloc (09022015). Collection method: clinical testing. Allele origin: germline.

CeGaT Center for Human Genetics Tuebingen
Classification: Likely benign. Last evaluated: 2021-07-01. Review status: criteria provided, single submitter. Criteria: CeGaT Center For Human Genetics Tuebingen Variant Classification Criteria Version 2. Collection method: clinical testing. Allele origin: germline. Affected: yes. Observed: 1 variant allele.

Breakthrough Genomics
Classification: Likely benign. Review status: criteria provided, single submitter. Criteria: ACMG Guidelines, 2015. Collection method: not provided. Allele origin: germline. Inheritance: Autosomal recessive inheritance. Affected: yes.

PreventionGenetics, part of Exact Sciences
Classification: Likely benign for DOCK2-related condition. Last evaluated: 2020-02-07. Review status: no assertion criteria provided. Collection method: clinical testing. Allele origin: germline. Not counted in ClinVar's aggregate classification.
Comment: This variant is classified as likely benign based on ACMG/AMP sequence variant interpretation guidelines (Richards et al. 2015 PMID: 25741868, with internal and published modifications).